The following is an entry in ClinVar:

ClinVar aggregate classification (germline): Benign/Likely benign. Review status: criteria provided, multiple submitters, no conflicts (2 of 4 stars). 3 submissions from 3 submitters: Benign (1); Likely benign (2). Last evaluated 2025-03-21.

Conditions:
Juvenile polyposis syndrome (JPS). Identifiers: Orphanet 2929, MedGen C0345893, MONDO:0017380, OMIM 174900.
Familial thoracic aortic aneurysm and aortic dissection (TAAD). Also called: Thoracic aortic aneurysms and dissections. Identifiers: Orphanet 91387, MedGen C4707243, MONDO:0019625.
Hereditary cancer-predisposing syndrome. Also called: Neoplastic Syndromes, Hereditary; Hereditary neoplastic syndrome; Hereditary Cancer Syndrome; Tumor predisposition. Identifiers: Orphanet 140162, MedGen C0027672, MeSH D009386, MONDO:0015356.
Juvenile polyposis/hereditary hemorrhagic telangiectasia syndrome (JPHT). Also called: JP/HHT SYNDROME; JUVENILE POLYPOSIS WITH HEREDITARY HEMORRHAGIC TELANGIECTASIA; POLYPOSIS, GENERALIZED JUVENILE, WITH PULMONARY ARTERIOVENOUS MALFORMATION; TELANGIECTASIA, HEREDITARY HEMORRHAGIC, WITH JUVENILE POLYPOSIS COLI; Juvenile Polyposis Syndrome / Hereditary Hemorrhagic Telangiectasia (JPS/HHT). Identifiers: Orphanet 2929, MedGen C1832942, MONDO:0008278, OMIM 175050.

Allele frequency attached by ClinVar (database versions not stated): gnomAD exomes below 0.00001; TOPMed below 0.00001.
gnomAD v4.1: 2 of 1,608,940 alleles (0.00012%); highest among the groups gnomAD compares: African/African-American, 0.0027%; no homozygotes.

Submissions (3):

Myriad Genetics, Inc.
Classification: Benign for Juvenile polyposis/hereditary hemorrhagic telangiectasia syndrome. Last evaluated: 2025-03-21. Review status: criteria provided, single submitter. Criteria: Myriad Autosomal Dominant, Autosomal Recessive and X-Linked Classification Criteria (2023). Collection method: clinical testing. Allele origin: unknown.
Comment: This variant is considered benign. This variant is a silent/synonymous amino acid change and it is not expected to impact splicing.

Labcorp Genetics (formerly Invitae), Labcorp
Classification: Likely benign for Juvenile polyposis syndrome. Last evaluated: 2024-04-24. Review status: criteria provided, single submitter. Criteria: Invitae Variant Classification Sherloc (09022015). Collection method: clinical testing. Allele origin: germline.

Ambry Genetics
Classification: Likely benign for Hereditary cancer-predisposing syndrome; Familial thoracic aortic aneurysm and aortic dissection. Last evaluated: 2018-08-30. Review status: criteria provided, single submitter. Criteria: Ambry Variant Classification Scheme 2023. Collection method: clinical testing. Allele origin: germline.

NM_005359.6(SMAD4):c.1269A>G (p.Gly423=)

Gene: SMAD4 (SMAD family member 4; plus strand). Cytogenetic location: 18q21.2.
Variant type: single nucleotide variant.
Coding change: c.1269A>G on transcript NM_005359.6 (MANE Select); coding-DNA position 1269, A replaced by G.
Protein change: p.Gly423=; no amino-acid change (glycine 423 retained).
Molecular consequence: synonymous variant.
Genome position (GRCh38, 1-based): chr18:51,067,148, A>G. VCF-style: chr18-51067148-A-G. GRCh37 (hg19) VCF-style: chr18-48593518-A-G.
Identifiers: ClinVar variation 818758 (VCV000818758.14), dbSNP rs1052676207, ClinGen allele CA503874275.